The following is an entry in ClinVar:

ClinVar aggregate classification (germline): Uncertain significance. Review status: criteria provided, multiple submitters, no conflicts (2 of 4 stars). 3 submissions from 3 submitters: Uncertain significance (3). Last evaluated 2024-03-28.

Conditions:
Branchiootorenal syndrome 2 (BOR2). Identifiers: Orphanet 107, MedGen C1970479, MONDO:0012575, OMIM 610896.

gnomAD v4.1: 15 of 1,274,426 alleles (0.0012%); highest among the groups gnomAD compares: African/African-American, 0.0047%; no homozygotes.

Submissions (3):

Fulgent Genetics
Classification: Uncertain significance for Branchiootorenal syndrome 2. Last evaluated: 2024-03-28. Review status: criteria provided, single submitter. Criteria: ACMG Guidelines, 2015. Collection method: clinical testing. Allele origin: germline.

Labcorp Genetics (formerly Invitae), Labcorp
Classification: Uncertain significance. Last evaluated: 2024-03-12. Review status: criteria provided, single submitter. Criteria: Invitae Variant Classification Sherloc (09022015). Collection method: clinical testing. Allele origin: germline.
Comment: This sequence change replaces serine, which is neutral and polar, with phenylalanine, which is neutral and non-polar, at codon 66 of the SIX5 protein (p.Ser66Phe). This variant is present in population databases (no rsID available, gnomAD 0.01%). This variant has not been reported in the literature in individuals affected with SIX5-related conditions. Advanced modeling of protein sequence and biophysical properties (such as structural, functional, and spatial information, amino acid conservation, physicochemical variation, residue mobility, and thermodynamic stability) performed at Invitae indicates that this missense variant is not expected to disrupt SIX5 protein function with a negative predictive value of 80%. In summary, the available evidence is currently insufficient to determine the role of this variant in disease. Therefore, it has been classified as a Variant of Uncertain Significance.

Ambry Genetics
Classification: Uncertain significance. Last evaluated: 2023-09-25. Review status: criteria provided, single submitter. Criteria: Ambry Variant Classification Scheme 2023. Collection method: clinical testing. Allele origin: germline.

NM_175875.5(SIX5):c.197C>T (p.Ser66Phe)

Genes: DM1-AS (DM1 locus antisense RNA; plus strand), SIX5 (SIX homeobox 5; minus strand), LOC107075317 (origin of replication in DMPK trinucleotide repeat region; plus strand), LOC129929037 (ATAC-STARR-seq lymphoblastoid silent region 10794; plus strand). Cytogenetic location: 19q13.32.
Variant type: single nucleotide variant.
Coding change: c.197C>T on transcript NM_175875.5 (MANE Select); coding-DNA position 197, C replaced by T.
Protein change: p.Ser66Phe; replaces serine 66 with phenylalanine.
Molecular consequence: missense variant.
Genome position (GRCh38, 1-based): chr19:45,768,648, G>A on the plus strand (C>T on the coding strand, the complement: SIX5 is on the minus strand). VCF-style: chr19-45768648-G-A. GRCh37 (hg19) VCF-style: chr19-46271906-G-A.
Other names: short protein forms S66F.
Identifiers: ClinVar variation 3162585 (VCV003162585.4), dbSNP rs954548401, ClinGen allele CA406424375.